The following is an entry in ClinVar:

ClinVar aggregate classification (germline): Uncertain significance (1 of 4 stars; one submission).

Conditions:
Hereditary motor and sensory neuropathy, Okinawa type (HMSNO). Also called: HEREDITARY MOTOR AND SENSORY NEUROPATHY, PROXIMAL TYPE. Identifiers: Orphanet 90117, MedGen C1858338, MONDO:0011468, OMIM 604484.
Hereditary spastic paraplegia 57. Also called: Spastic paraplegia 57, autosomal recessive. Identifiers: Orphanet 431329, MedGen C3714897, MONDO:0014295, OMIM 615658.

Allele frequency attached by ClinVar (database versions not stated): gnomAD exomes below 0.00001.
gnomAD v4.1: 1 of 1,604,808 alleles (0.000062%); highest among the groups gnomAD compares: Non-Finnish European, 0.000085%; no homozygotes.

Submission:

Labcorp Genetics (formerly Invitae), Labcorp
Classification: Uncertain significance for Hereditary motor and sensory neuropathy, Okinawa type; Hereditary spastic paraplegia 57. Last evaluated: 2022-03-26. Review status: criteria provided, single submitter. Criteria: Invitae Variant Classification Sherloc (09022015). Collection method: clinical testing. Allele origin: germline.
Comment: In summary, the available evidence is currently insufficient to determine the role of this variant in disease. Therefore, it has been classified as a Variant of Uncertain Significance. Algorithms developed to predict the effect of missense changes on protein structure and function (SIFT, PolyPhen-2, Align-GVGD) all suggest that this variant is likely to be tolerated. This sequence change replaces isoleucine, which is neutral and non-polar, with valine, which is neutral and non-polar, at codon 135 of the TFG protein (p.Ile135Val). The frequency data for this variant in the population databases is considered unreliable, as metrics indicate poor data quality at this position in the gnomAD database. This variant has not been reported in the literature in individuals affected with TFG-related conditions.

NM_006070.6(TFG):c.403A>G (p.Ile135Val)

Gene: TFG (trafficking from ER to golgi regulator; plus strand). Cytogenetic location: 3q12.2.
Variant type: single nucleotide variant.
Coding change: c.403A>G on transcript NM_006070.6 (MANE Select); coding-DNA position 403, A replaced by G.
Protein change: p.Ile135Val; replaces isoleucine 135 with valine.
Molecular consequence: missense variant.
Genome position (GRCh38, 1-based): chr3:100,728,846, A>G. VCF-style: chr3-100728846-A-G. GRCh37 (hg19) VCF-style: chr3-100447690-A-G.
Other names: c.403A>G, p.Ile135Val (NM_001007565.2, NM_001195478.2, NM_001195479.2); short protein forms I135V.
Identifiers: ClinVar variation 2114005 (VCV002114005.4), dbSNP rs1387611876, ClinGen allele CA353842993.